The following is an entry in ClinVar:

NM_004530.6(MMP2):c.1160G>A (p.Trp387Ter)

Gene: MMP2 (matrix metallopeptidase 2; plus strand). Cytogenetic location: 16q12.2.
Variant type: single nucleotide variant.
Coding change: c.1160G>A on transcript NM_004530.6 (MANE Select); coding-DNA position 1160, G replaced by A.
Protein change: p.Trp387Ter; replaces tryptophan 387 with a stop codon.
Molecular consequence: nonsense.
Genome position (GRCh38, 1-based): chr16:55,489,804, G>A. VCF-style: chr16-55489804-G-A. GRCh37 (hg19) VCF-style: chr16-55523716-G-A.
Other names: c.1010G>A, p.Trp337Ter (NM_001127891.3); c.932G>A, p.Trp311Ter (NM_001302508.1, NM_001302509.2, NM_001302510.2); short protein forms W337*, W311*, W387*.
Identifiers: ClinVar variation 3678169 (VCV003678169.2).

ClinVar aggregate classification (germline): Pathogenic (1 of 4 stars; one submission).

gnomAD v4.1: 1 of 1,613,842 alleles (0.000062%); highest among the groups gnomAD compares: East Asian, 0.0022%; no homozygotes.

Submission:

Labcorp Genetics (formerly Invitae), Labcorp
Classification: Pathogenic. Last evaluated: 2025-10-23. Review status: criteria provided, single submitter. Criteria: Invitae Variant Classification Sherloc (09022015). Collection method: clinical testing. Allele origin: germline.
Comment: This sequence change creates a premature translational stop signal (p.Trp387*) in the MMP2 gene. It is expected to result in an absent or disrupted protein product. Loss-of-function variants in MMP2 are known to be pathogenic (PMID: 26601801). This variant is not present in population databases (gnomAD no frequency). This variant has not been reported in the literature in individuals affected with MMP2-related conditions. ClinVar contains an entry for this variant (Variation ID: 3678169). For these reasons, this variant has been classified as Pathogenic.

Literature cited by the submitters: PubMed 26601801.